The following is an entry in ClinVar:

ClinVar aggregate classification (germline): Uncertain significance (1 of 4 stars; one submission).

Conditions:
TP63-Related Spectrum Disorders.

Submission:

Labcorp Genetics (formerly Invitae), Labcorp
Classification: Uncertain significance. Last evaluated: 2022-09-21. Review status: criteria provided, single submitter. Criteria: Invitae Variant Classification Sherloc (09022015). Collection method: clinical testing. Allele origin: germline.
Comment: This variant has not been reported in the literature in individuals affected with TP63-related conditions. Experimental studies and prediction algorithms are not available or were not evaluated, and the functional significance of this variant is currently unknown. In summary, the available evidence is currently insufficient to determine the role of this variant in disease. Therefore, it has been classified as a Variant of Uncertain Significance. This variant is not present in population databases (gnomAD no frequency). This variant, c.1317_1322del, results in the deletion of 2 amino acid(s) of the TP63 protein (p.Gln441_Gln442del), but otherwise preserves the integrity of the reading frame.

NM_003722.5(TP63):c.1311ACAGCA[1] (p.Gln441_Gln442del)

Gene: TP63 (tumor protein p63; plus strand). Cytogenetic location: 3q28.
Variant type: Microsatellite.
Coding change: c.1311ACAGCA[1] on transcript NM_003722.5 (MANE Select); one copy of the 6-base unit ACAGCA starting at c.1311; the reference has two copies in a row; one copy, 6 bases deleted.
Protein change: p.Gln441_Gln442del.
Molecular consequence: inframe deletion.
Genome position (GRCh38, 1-based): chr3:189,872,963-189,872,968, ACAGCA deleted; deleting any 6 consecutive bases within chr3:189,872,954-189,872,968 gives the same sequence; the position shown is the placement nearest the transcript's 3' end. VCF-style (leftmost placement, unchanged base first): chr3-189872953-GGCAACA-G. GRCh37 (hg19) VCF-style: chr3-189590742-GGCAACA-G.
Other names: c.1311ACAGCA[1], p.Gln441_Gln442del (NM_001114978.2, NM_001114979.2, NM_001329144.2); c.1029ACAGCA[1], p.Gln347_Gln348del (NM_001114980.2, NM_001114981.2, NM_001114982.2 and 1 more transcripts); c.774ACAGCA[1], p.Gln262_Gln263del (NM_001329146.2); c.1299ACAGCA[1], p.Gln437_Gln438del (NM_001329148.2); c.1017ACAGCA[1], p.Gln343_Gln344del (NM_001329149.2); c.762ACAGCA[1], p.Gln258_Gln259del (NM_001329150.2); c.1305ACAGCA[1], p.Gln439_Gln440del (NM_001329964.2).
Identifiers: ClinVar variation 2031659 (VCV002031659.3), dbSNP rs781593254, ClinGen allele CA1428525598.